The following is an entry in ClinVar:

NM_015335.5(MED13L):c.437T>A (p.Phe146Tyr)

Gene: MED13L (mediator complex subunit 13L; minus strand). Cytogenetic location: 12q24.21.
Variant type: single nucleotide variant.
Coding change: c.437T>A on transcript NM_015335.5 (MANE Select); coding-DNA position 437, T replaced by A.
Protein change: p.Phe146Tyr; replaces phenylalanine 146 with tyrosine.
Molecular consequence: missense variant.
Genome position (GRCh38, 1-based): chr12:116,096,711, A>T on the plus strand (T>A on the coding strand, the complement: MED13L is on the minus strand). VCF-style: chr12-116096711-A-T. GRCh37 (hg19) VCF-style: chr12-116534516-A-T.
Other names: short protein forms F146Y.
Identifiers: ClinVar variation 2693767 (VCV002693767.3), dbSNP rs2500281679, ClinGen allele CA386926862.
Genomic context (GRCh38, chr12:116,096,711, plus strand): 5'-AGCATTCTAAAGGCTCACCTTTTGTTGACTGGCTTTTCATCCTTTTCGTAGGGTCGGACA[A>T]ACCATTTCCCAATCCTAACGAAGTTCTTATCCATTAGGCACCTAAAATAATTACATCAAG-3'
Protein context (NP_056150.1, residues 136-156): DKNFVRIGKW[Phe146Tyr]VRPYEKDEKP

ClinVar aggregate classification (germline): Uncertain significance (1 of 4 stars; one submission).

Conditions:
Dextro-looped transposition of the great arteries. Also called: Dextrotransposition of the great arteries. Identifiers: Orphanet 860, MedGen C3531771, MONDO:0019443, OMIM 608808, HP:0031348.

Submission:

Labcorp Genetics (formerly Invitae), Labcorp
Classification: Uncertain significance for Dextro-looped transposition of the great arteries. Last evaluated: 2023-06-06. Review status: criteria provided, single submitter. Criteria: Invitae Variant Classification Sherloc (09022015). Collection method: clinical testing. Allele origin: germline.
Comment: This sequence change replaces phenylalanine, which is neutral and non-polar, with tyrosine, which is neutral and polar, at codon 146 of the MED13L protein (p.Phe146Tyr). In summary, the available evidence is currently insufficient to determine the role of this variant in disease. Therefore, it has been classified as a Variant of Uncertain Significance. Advanced modeling of protein sequence and biophysical properties (such as structural, functional, and spatial information, amino acid conservation, physicochemical variation, residue mobility, and thermodynamic stability) performed at Invitae indicates that this missense variant is expected to disrupt MED13L protein function. This variant has not been reported in the literature in individuals affected with MED13L-related conditions. This variant is not present in population databases (gnomAD no frequency).